The following is an entry in ClinVar:

ClinVar aggregate classification (germline): Likely pathogenic (1 of 4 stars; one submission).

Conditions:
Hereditary diffuse gastric adenocarcinoma (HDGC). Also called: DIFFUSE GASTRIC AND LOBULAR BREAST CANCER SYNDROME. Identifiers: Orphanet 26106, MedGen C1708349, MONDO:0007648, OMIM 137215.

Submission:

Department of Clinical Genetics, Copenhagen University Hospital, Rigshospitalet
Classification: Likely pathogenic for Hereditary diffuse gastric adenocarcinoma. Last evaluated: 2025-02-04. Review status: criteria provided, single submitter. Criteria: ACMG Guidelines, 2015. Collection method: clinical testing. Allele origin: germline.
Comment: PVS1_Strong; PM2_SUP; PP3

Literature cited by the submitters: PubMed 22850631; PubMed 19168852.

NM_004360.5:c.2164_2439del

Gene: CDH1 (cadherin 1; plus strand).
Variant type: Deletion.
Other names: c.2164_2439del (NM_004360.5).
Identifiers: ClinVar variation 3602779 (VCV003602779.2).